The following is an entry in ClinVar:

NM_001267550.2(TTN):c.18913T>C (p.Leu6305=)

Genes: TTN (titin; minus strand), LOC126806430 (BRD4-independent group 4 enhancer GRCh37_chr2:179593794-179594993; plus strand). Cytogenetic location: 2q31.2.
Variant type: single nucleotide variant.
Coding change: c.18913T>C on transcript NM_001267550.2 (MANE Select); coding-DNA position 18913, T replaced by C.
Protein change: p.Leu6305=; no amino-acid change (leucine 6305 retained).
Molecular consequence: synonymous variant. On other transcripts: intron variant (3).
Genome position (GRCh38, 1-based): chr2:178,729,125, A>G on the plus strand (T>C on the coding strand, the complement: TTN is on the minus strand). VCF-style: chr2-178729125-A-G. GRCh37 (hg19) VCF-style: chr2-179593852-A-G.
Other names: c.17962T>C, p.Leu5988= (NM_001256850.1); c.15181T>C, p.Leu5061= (NM_133378.4); c.13282+8957T>C (NM_003319.4); c.13858+8957T>C (NM_133437.4); c.13657+8957T>C (NM_133432.3).
Identifiers: ClinVar variation 4982831 (VCV004982831.1).

ClinVar aggregate classification (germline): Likely benign (1 of 4 stars; one submission).

Conditions:
TTN-related disorder. Also called: TTN-related disorders; TTN-related condition; TTN-related disease.

gnomAD v4.1: 1 of 1,606,460 alleles (0.000062%); highest among the groups gnomAD compares: East Asian, 0.0022%; no homozygotes.

Submission:

PreventionGenetics, part of Exact Sciences
Classification: Likely benign for TTN-related condition. Last evaluated: 2025-06-13. Review status: criteria provided, single submitter. Criteria: ACMG Guidelines, 2015. Collection method: clinical testing. Allele origin: germline.
Comment: This variant is classified as likely benign based on ACMG/AMP sequence variant interpretation guidelines (Richards et al. 2015 PMID: 25741868, with internal and published modifications).